The following is an entry in ClinVar:

NM_020338.4(ZMIZ1):c.2773C>T (p.Pro925Ser)

Gene: ZMIZ1 (zinc finger MIZ-type containing 1; plus strand). Cytogenetic location: 10q22.3.
Variant type: single nucleotide variant.
Coding change: c.2773C>T on transcript NM_020338.4 (MANE Select); coding-DNA position 2773, C replaced by T.
Protein change: p.Pro925Ser; replaces proline 925 with serine.
Molecular consequence: missense variant.
Genome position (GRCh38, 1-based): chr10:79,307,509, C>T. VCF-style: chr10-79307509-C-T. GRCh37 (hg19) VCF-style: chr10-81067266-C-T.
Other names: short protein forms P925S.
Identifiers: ClinVar variation 3682378 (VCV003682378.2).

ClinVar aggregate classification (germline): Uncertain significance (1 of 4 stars; one submission).

gnomAD v4.1: 1 of 1,612,554 alleles (0.000062%); highest among the groups gnomAD compares: Admixed American, 0.0017%; no homozygotes.

Submission:

Labcorp Genetics (formerly Invitae), Labcorp
Classification: Uncertain significance. Last evaluated: 2024-10-24. Review status: criteria provided, single submitter. Criteria: Invitae Variant Classification Sherloc (09022015). Collection method: clinical testing. Allele origin: germline.
Comment: This sequence change replaces proline, which is neutral and non-polar, with serine, which is neutral and polar, at codon 925 of the ZMIZ1 protein (p.Pro925Ser). This variant is present in population databases (no rsID available, gnomAD 0.003%). This variant has not been reported in the literature in individuals affected with ZMIZ1-related conditions. Invitae Evidence Modeling of protein sequence and biophysical properties (such as structural, functional, and spatial information, amino acid conservation, physicochemical variation, residue mobility, and thermodynamic stability) indicates that this missense variant is not expected to disrupt ZMIZ1 protein function with a negative predictive value of 95%. In summary, the available evidence is currently insufficient to determine the role of this variant in disease. Therefore, it has been classified as a Variant of Uncertain Significance.